The following is an entry in ClinVar:

ClinVar aggregate classification (germline): Uncertain significance (1 of 4 stars; one submission).

Allele frequency attached by ClinVar (database versions not stated): gnomAD exomes below 0.00001; ExAC 0.00002.
gnomAD v4.1: 2 of 1,611,178 alleles (0.00012%); highest among the groups gnomAD compares: Non-Finnish European, 0.00017%; no homozygotes.

Submission:

Ambry Genetics
Classification: Uncertain significance. Last evaluated: 2022-12-26. Review status: criteria provided, single submitter. Criteria: Ambry Variant Classification Scheme 2023. Collection method: clinical testing. Allele origin: germline.
Comment: The p.Q393P variant (also known as c.1178A>C), located in coding exon 8 of the POLQ gene, results from an A to C substitution at nucleotide position 1178. The glutamine at codon 393 is replaced by proline, an amino acid with similar properties. This amino acid position is conserved. In addition, this alteration is predicted to be tolerated by in silico analysis. Since supporting evidence is limited at this time, the clinical significance of this alteration remains unclear.

NM_199420.4(POLQ):c.1178A>C (p.Gln393Pro)

Gene: POLQ (DNA polymerase theta; minus strand). Cytogenetic location: 3q13.33.
Variant type: single nucleotide variant.
Coding change: c.1178A>C on transcript NM_199420.4 (MANE Select); coding-DNA position 1178, A replaced by C.
Protein change: p.Gln393Pro; replaces glutamine 393 with proline.
Molecular consequence: missense variant.
Genome position (GRCh38, 1-based): chr3:121,522,080, T>G on the plus strand (A>C on the coding strand, the complement: POLQ is on the minus strand). VCF-style: chr3-121522080-T-G. GRCh37 (hg19) VCF-style: chr3-121240927-T-G.
Other names: short protein forms Q393P.
Identifiers: ClinVar variation 2448960 (VCV002448960.2), dbSNP rs772578599, ClinGen allele CA2563615.